The following is an entry in ClinVar:

NM_139343.3(BIN1):c.411+1G>T

Gene: BIN1 (bridging integrator 1; minus strand). Cytogenetic location: 2q14.3.
Variant type: single nucleotide variant.
Coding change: c.411+1G>T on transcript NM_139343.3 (MANE Select); the canonical splice donor site of the intron after coding-DNA position 411, G replaced by T.
Molecular consequence: splice donor variant.
Genome position (GRCh38, 1-based): chr2:127,069,994, C>A on the plus strand (G>T on the coding strand, the complement: BIN1 is on the minus strand). VCF-style: chr2-127069994-C-A. GRCh37 (hg19) VCF-style: chr2-127827570-C-A.
Other names: c.411+1G>T (NM_001320633.2, NM_139345.3, NM_139344.3 and 10 more transcripts); c.330+1G>T (NM_001320642.1); c.339+1G>T (NM_001320634.1).
Identifiers: ClinVar variation 2018902 (VCV002018902.4), dbSNP rs112692091, ClinGen allele CA55321290.

ClinVar aggregate classification (germline): Uncertain significance (1 of 4 stars; one submission).

Conditions:
Myopathy, centronuclear, 2 (CNM2). Also called: MYOTUBULAR MYOPATHY, AUTOSOMAL RECESSIVE. Identifiers: Orphanet 169186, MedGen CN031787, MONDO:0009709, OMIM 255200.

Submission:

Labcorp Genetics (formerly Invitae), Labcorp
Classification: Uncertain significance for Myopathy, centronuclear, 2. Last evaluated: 2022-07-22. Review status: criteria provided, single submitter. Criteria: Invitae Variant Classification Sherloc (09022015). Collection method: clinical testing. Allele origin: germline.
Comment: This sequence change affects a donor splice site in intron 5 of the BIN1 gene. It is expected to disrupt RNA splicing. Variants that disrupt the donor or acceptor splice site typically lead to a loss of protein function (PMID: 16199547), however the current clinical and genetic evidence is not sufficient to establish whether loss-of-function variants in BIN1 cause disease. This variant is not present in population databases (gnomAD no frequency). This variant has not been reported in the literature in individuals affected with BIN1-related conditions. Algorithms developed to predict the effect of sequence changes on RNA splicing suggest that this variant may disrupt the consensus splice site. In summary, the available evidence is currently insufficient to determine the role of this variant in disease. Therefore, it has been classified as a Variant of Uncertain Significance.

Literature cited by the submitters: PubMed 16199547.